The following is an entry in ClinVar:

NM_003000.3(SDHB):c.642+2T>G

Gene: SDHB (succinate dehydrogenase complex iron sulfur subunit B; minus strand). Cytogenetic location: 1p36.13.
Variant type: single nucleotide variant.
Coding change: c.642+2T>G on transcript NM_003000.3 (MANE Select); the canonical splice donor site of the intron after coding-DNA position 642, T replaced by G.
Molecular consequence: splice donor variant.
Genome position (GRCh38, 1-based): chr1:17,023,971, A>C on the plus strand (T>G on the coding strand, the complement: SDHB is on the minus strand). VCF-style: chr1-17023971-A-C. GRCh37 (hg19) VCF-style: chr1-17350466-A-C.
Other names: c.588+2T>G (NM_001407361.1).
Identifiers: ClinVar variation 449099 (VCV000449099.12), dbSNP rs1553177424, ClinGen allele CA338270919.

ClinVar aggregate classification (germline): Pathogenic/Likely pathogenic. Review status: criteria provided, multiple submitters, no conflicts (2 of 4 stars). 5 submissions from 5 submitters: Pathogenic (3); Likely pathogenic (2). Last evaluated 2026-03-25.

Conditions:
Hereditary cancer-predisposing syndrome. Also called: Tumor predisposition; Hereditary neoplastic syndrome; Neoplastic Syndromes, Hereditary; Hereditary Cancer Syndrome. Identifiers: Orphanet 140162, MedGen C0027672, MeSH D009386, MONDO:0015356.
Pheochromocytoma/paraganglioma syndrome 4. Also called: SDHB-Related Hereditary Paraganglioma-Pheochromocytoma Syndrome (Paragangliomas 4); CAROTID BODY TUMORS AND MULTIPLE EXTRAADRENAL PHEOCHROMOCYTOMAS; PARAGANGLIOMA, FAMILIAL MALIGNANT; PARAGANGLIOMAS, HEREDITARY EXTRAADRENAL; SDHB-Related Hereditary Paraganglioma-Pheochromocytoma Syndrome; PHEOCHROMOCYTOMA, FAMILIAL EXTRAADRENAL. Identifiers: Orphanet 29072, MedGen C1861848, MONDO:0007273, OMIM 115310.
Pheochromocytoma. Also called: MAX-Related Hereditary Paraganglioma-Pheochromocytoma Syndrome. Identifiers: Orphanet 29072, MedGen C0031511, MONDO:0008233, OMIM 171300, HP:0002666.
Gastrointestinal stromal tumor. Also called: Gastrointestinal stroma tumor; Gastrointestinal stromal tumor, somatic. Identifiers: Orphanet 44890, MedGen C0238198, MeSH D046152, MONDO:0011719, OMIM 606764, HP:0100723.

Submissions (5):

Ambry Genetics
Classification: Likely pathogenic for Hereditary cancer-predisposing syndrome. Last evaluated: 2026-03-25. Review status: criteria provided, single submitter. Criteria: Ambry Variant Classification Scheme 2023. Collection method: clinical testing. Allele origin: germline.
Comment: The c.642+2T>G intronic variant results from a T to G substitution two nucleotides after coding exon 6 in the SDHB gene. This variant was reported in individual(s) with features consistent with SDHB-related hereditary pheochromocytoma-paraganglioma (Ambry internal data). This variant is considered to be rare based on population cohorts in the Genome Aggregation Database (gnomAD). This nucleotide position is highly conserved in available vertebrate species. In silico splice site analysis predicts that this alteration will weaken the native splice donor site; however, direct evidence is insufficient (Ambry internal data). Variants that disrupt the canonical splice site are expected to cause aberrant splicing, resulting in an abnormal protein or a transcript that is subject to nonsense-mediated mRNA decay. As such, this variant is classified as likely pathogenic.

Myriad Genetics, Inc.
Classification: Pathogenic for Pheochromocytoma/paraganglioma syndrome 4. Last evaluated: 2025-08-06. Review status: criteria provided, single submitter. Criteria: Myriad Autosomal Dominant, Autosomal Recessive and X-Linked Classification Criteria (2023). Collection method: clinical testing. Allele origin: unknown.
Comment: This variant is considered pathogenic. This variant occurs within a consensus splice junction and is predicted to result in abnormal mRNA splicing of either an out-of-frame exon or an in-frame exon necessary for protein stability and/or normal function. This variant has been reported in multiple individuals with clinical features of gene-specific disease [PMID: 25695889, 28374168, 30201732].

Quest Diagnostics Nichols Institute San Juan Capistrano
Classification: Likely pathogenic. Last evaluated: 2025-04-03. Review status: criteria provided, single submitter. Criteria: Quest Diagnostics criteria. Collection method: clinical testing. Allele origin: unknown.
Comment: The SDHB c.642+2T>G variant disrupts a canonical splice-donor site and is predicted to interfere with normal SDHB mRNA splicing. This variant has not been reported in individuals with SDHB-related conditions in the published literature. This variant has not been reported in large, multi-ethnic general populations (Genome Aggregation Database). However, other canonical splice variants located in this region (SDHB c.641+1G>C) have been identified in an individual with phaeochromocytoma/paraganglioma (PPGL) syndrome (PMID: 31492822 (2020)). Based on the available information, the SDHB c.642+2T>G variant is classified as likely pathogenic.

Labcorp Genetics (formerly Invitae), Labcorp
Classification: Pathogenic for Gastrointestinal stromal tumor; Pheochromocytoma/paraganglioma syndrome 4; Pheochromocytoma. Last evaluated: 2022-11-15. Review status: criteria provided, single submitter. Criteria: Invitae Variant Classification Sherloc (09022015). Collection method: clinical testing. Allele origin: germline.
Comment: For these reasons, this variant has been classified as Pathogenic. Algorithms developed to predict the effect of sequence changes on RNA splicing suggest that this variant may disrupt the consensus splice site. ClinVar contains an entry for this variant (Variation ID: 449099). Disruption of this splice site has been observed in individuals with clinical features of hereditary paraganglioma-pheochromocytoma (PGL-PCC) syndrome (PMID: 31492822; Invitae). This variant is not present in population databases (gnomAD no frequency). This sequence change affects a donor splice site in intron 6 of the SDHB gene. It is expected to disrupt RNA splicing. Variants that disrupt the donor or acceptor splice site typically lead to a loss of protein function (PMID: 16199547), and loss-of-function variants in SDHB are known to be pathogenic (PMID: 19454582, 19802898).

GeneDx
Classification: Pathogenic. Last evaluated: 2015-08-04. Review status: criteria provided, single submitter. Criteria: GeneDx Variant Classification (06012015). Collection method: clinical testing. Allele origin: germline. Affected: yes.
Comment: The c.642+2 T>G splice site mutation in the SDHB gene destroys the canonical splice donor site in intron 6. It is predicted to cause abnormal gene splicing, either leading to an abnormal message that is subject to nonsense-mediated mRNA decay, or to an abnormal protein product if the message is used for protein translation. The c.642+2 T>G mutation was not observed in approximately 6,500 individuals of European and African American ancestry in the NHLBI Exome Sequencing Project, indicating it is not a common benign variant in these populations.

Literature cited by the submitters: PubMed 25695889 (cited by Myriad Genetics, Inc.); PubMed 28374168 (cited by Myriad Genetics, Inc.); PubMed 30201732 (cited by Myriad Genetics, Inc.); PubMed 31492822 (cited by Labcorp Genetics (formerly Invitae), Labcorp); PubMed 16199547 (cited by Labcorp Genetics (formerly Invitae), Labcorp); PubMed 19454582 (cited by Labcorp Genetics (formerly Invitae), Labcorp); PubMed 19802898 (cited by Labcorp Genetics (formerly Invitae), Labcorp).